The following is an entry in ClinVar:

NM_000135.4(FANCA):c.3390C>G (p.Ile1130Met)

Genes: FANCA (FA complementation group A; minus strand), LOC132090450 (Neanderthal introgressed variant-containing enhancer experimental_46718; plus strand). Cytogenetic location: 16q24.3.
Variant type: single nucleotide variant.
Coding change: c.3390C>G on transcript NM_000135.4 (MANE Select); coding-DNA position 3390, C replaced by G.
Protein change: p.Ile1130Met; replaces isoleucine 1130 with methionine.
Molecular consequence: missense variant.
Genome position (GRCh38, 1-based): chr16:89,746,849, G>C on the plus strand (C>G on the coding strand, the complement: FANCA is on the minus strand). VCF-style: chr16-89746849-G-C. GRCh37 (hg19) VCF-style: chr16-89813257-G-C.
Other names: c.3390C>G, p.Ile1130Met (NM_001286167.3); short protein forms I1130M.
Identifiers: ClinVar variation 1387812 (VCV001387812.8), dbSNP rs373168838, ClinGen allele CA286624477.

ClinVar aggregate classification (germline): Uncertain significance. Review status: criteria provided, multiple submitters, no conflicts (2 of 4 stars). 2 submissions from 2 submitters: Uncertain significance (2). Last evaluated 2024-03-10.

Conditions:
Fanconi anemia complementation group A (FANCA). Also called: FANCA-Related Fanconi Anemia; Fanconi anemia, group A. Identifiers: Orphanet 84, MedGen C3469521, MONDO:0009215, OMIM 227650.
Fanconi anemia (FA). Also called: Fanconi's anemia. Identifiers: Orphanet 84, MedGen C0015625, MeSH D005199, MONDO:0019391.

Submissions (2):

Labcorp Genetics (formerly Invitae), Labcorp
Classification: Uncertain significance for Fanconi anemia. Last evaluated: 2024-03-10. Review status: criteria provided, single submitter. Criteria: Invitae Variant Classification Sherloc (09022015). Collection method: clinical testing. Allele origin: germline.
Comment: This sequence change replaces isoleucine, which is neutral and non-polar, with methionine, which is neutral and non-polar, at codon 1130 of the FANCA protein (p.Ile1130Met). This variant is present in population databases (no rsID available, gnomAD 0.02%). This variant has not been reported in the literature in individuals affected with FANCA-related conditions. ClinVar contains an entry for this variant (Variation ID: 1387812). Advanced modeling of protein sequence and biophysical properties (such as structural, functional, and spatial information, amino acid conservation, physicochemical variation, residue mobility, and thermodynamic stability) performed at Invitae indicates that this missense variant is expected to disrupt FANCA protein function with a positive predictive value of 80%. In summary, the available evidence is currently insufficient to determine the role of this variant in disease. Therefore, it has been classified as a Variant of Uncertain Significance.

Fulgent Genetics
Classification: Uncertain significance for Fanconi anemia complementation group A. Last evaluated: 2022-05-10. Review status: criteria provided, single submitter. Criteria: ACMG Guidelines, 2015. Collection method: clinical testing. Allele origin: unknown.